The following is an entry in ClinVar:

ClinVar aggregate classification (germline): Uncertain significance. Review status: criteria provided, single submitter (1 of 4 stars). 2 submissions from 2 submitters: Uncertain significance (1). 1 of the submissions does not count toward it. Last evaluated 2018-03-07.

Conditions:
Neurodevelopmental disorder with hypotonia, seizures, and absent language (NDHSAL). Identifiers: MedGen C4310643, MONDO:0014995, OMIM 617268.

Submissions (2):

Undiagnosed Diseases Network, NIH
Classification: Uncertain significance for Neurodevelopmental disorder with hypotonia, seizures, and absent language. Last evaluated: 2018-03-07. Review status: criteria provided, single submitter. Criteria: ACMG Guidelines, 2015. Collection method: clinical testing. Allele origin: de novo. Inheritance: Autosomal dominant inheritance. Affected: yes. Observed: 1 variant allele, 1 heterozygote.

OMIM
Classification: Pathogenic for NEURODEVELOPMENTAL DISORDER WITH HYPOTONIA, SEIZURES, AND ABSENT LANGUAGE. Last evaluated: 2018-01-10. Review status: no assertion criteria provided. Collection method: literature only. Allele origin: germline. Not counted in ClinVar's aggregate classification.

Literature cited by the submitters: PMC 5222737 (cited by Undiagnosed Diseases Network, NIH); PubMed 27389779 (cited by OMIM).

NM_001348768.2(HECW2):c.4334A>G (p.Glu1445Gly)

Gene: HECW2 (HECT, C2 and WW domain containing E3 ubiquitin protein ligase 2; minus strand). Cytogenetic location: 2q32.3.
Variant type: single nucleotide variant.
Coding change: c.4334A>G on transcript NM_001348768.2 (MANE Select); coding-DNA position 4334, A replaced by G.
Protein change: p.Glu1445Gly; replaces glutamic acid 1445 with glycine.
Molecular consequence: missense variant.
Genome position (GRCh38, 1-based): chr2:196,220,113, T>C on the plus strand (A>G on the coding strand, the complement: HECW2 is on the minus strand). VCF-style: chr2-196220113-T-C. GRCh37 (hg19) VCF-style: chr2-197084837-T-C.
Other names: c.3266A>G, p.Glu1089Gly (NM_001304840.3); c.4334A>G, p.Glu1445Gly (NM_020760.4); short protein forms E1445G, E1089G.
Identifiers: ClinVar variation 242326 (VCV000242326.4), dbSNP rs878854424, ClinGen allele CA10583968.